The following is an entry in ClinVar:

NM_004655.4(AXIN2):c.2068C>T (p.Pro690Ser)

Gene: AXIN2 (axin 2; minus strand). Cytogenetic location: 17q24.1.
Variant type: single nucleotide variant.
Coding change: c.2068C>T on transcript NM_004655.4 (MANE Select); coding-DNA position 2068, C replaced by T.
Protein change: p.Pro690Ser; replaces proline 690 with serine.
Molecular consequence: missense variant.
Genome position (GRCh38, 1-based): chr17:65,536,393, G>A on the plus strand (C>T on the coding strand, the complement: AXIN2 is on the minus strand). VCF-style: chr17-65536393-G-A. GRCh37 (hg19) VCF-style: chr17-63532511-G-A.
Other names: c.1873C>T, p.Pro625Ser (NM_001363813.1); c.2068C>T (LRG_296t1); short protein forms P690S, P625S.
Identifiers: ClinVar variation 464593 (VCV000464593.12), dbSNP rs770199204, ClinGen allele CA8718418.

ClinVar aggregate classification (germline): Uncertain significance. Review status: criteria provided, multiple submitters, no conflicts (2 of 4 stars). 3 submissions from 3 submitters: Uncertain significance (3). Last evaluated 2025-11-19.

Conditions:
Oligodontia-cancer predisposition syndrome. Also called: TOOTH AGENESIS-COLORECTAL CANCER SYNDROME. Identifiers: Orphanet 300576, MedGen C1837750, MONDO:0012075, OMIM 608615. Disease mechanism: loss of function.
Hereditary cancer-predisposing syndrome. Also called: Neoplastic Syndromes, Hereditary; Tumor predisposition; Hereditary Cancer Syndrome; Hereditary neoplastic syndrome. Identifiers: Orphanet 140162, MedGen C0027672, MeSH D009386, MONDO:0015356.

Allele frequency attached by ClinVar (database versions not stated): gnomAD exomes below 0.00001; ExAC 0.00001.
gnomAD v4.1: 6 of 1,613,818 alleles (0.00037%); highest among the groups gnomAD compares: Non-Finnish European, 0.00051%; no homozygotes.

Submissions (3):

Labcorp Genetics (formerly Invitae), Labcorp
Classification: Uncertain significance for Oligodontia-cancer predisposition syndrome. Last evaluated: 2025-11-19. Review status: criteria provided, single submitter. Criteria: Invitae Variant Classification Sherloc (09022015). Collection method: clinical testing. Allele origin: germline.
Comment: This sequence change replaces proline, which is neutral and non-polar, with serine, which is neutral and polar, at codon 690 of the AXIN2 protein (p.Pro690Ser). This variant is present in population databases (rs770199204, gnomAD 0.0009%). This variant has not been reported in the literature in individuals affected with AXIN2-related conditions. ClinVar contains an entry for this variant (Variation ID: 464593). Invitae Evidence Modeling of protein sequence and biophysical properties (such as structural, functional, and spatial information, amino acid conservation, physicochemical variation, residue mobility, and thermodynamic stability) indicates that this missense variant is not expected to disrupt AXIN2 protein function with a negative predictive value of 80%. In summary, the available evidence is currently insufficient to determine the role of this variant in disease. Therefore, it has been classified as a Variant of Uncertain Significance.

Ambry Genetics
Classification: Uncertain significance for Hereditary cancer-predisposing syndrome. Last evaluated: 2024-01-25. Review status: criteria provided, single submitter. Criteria: Ambry Variant Classification Scheme 2023. Collection method: clinical testing. Allele origin: germline.
Comment: The p.P690S variant (also known as c.2068C>T), located in coding exon 7 of the AXIN2 gene, results from a C to T substitution at nucleotide position 2068. The proline at codon 690 is replaced by serine, an amino acid with similar properties. This amino acid position is well conserved in available vertebrate species. In addition, the in silico prediction for this alteration is inconclusive. Based on the available evidence, the clinical significance of this alteration remains unclear.

GeneDx
Classification: Uncertain significance. Last evaluated: 2023-05-17. Review status: criteria provided, single submitter. Criteria: GeneDx Variant Classification Process June 2021. Collection method: clinical testing. Allele origin: germline. Affected: yes.
Comment: Not observed at significant frequency in large population cohorts (gnomAD); In silico analysis supports that this missense variant does not alter protein structure/function; Has not been previously published as pathogenic or benign to our knowledge